The following is an entry in ClinVar:

ClinVar aggregate classification (germline): Uncertain significance (1 of 4 stars; one submission).

gnomAD v4.1: 4 of 1,613,922 alleles (0.00025%); highest among the groups gnomAD compares: Non-Finnish European, 0.00025%; no homozygotes.

Submission:

GeneDx
Classification: Uncertain significance. Last evaluated: 2024-08-08. Review status: criteria provided, single submitter. Criteria: GeneDx Variant Classification Process June 2021. Collection method: clinical testing. Allele origin: germline. Affected: yes.
Comment: Not observed at significant frequency in large population cohorts (gnomAD); In silico analysis supports that this missense variant has a deleterious effect on protein structure/function; Has not been previously published as pathogenic or benign to our knowledge; Occurs in the triple helical domain at the Y position in the canonical Gly-X-Y repeat; although this variant may have an effect on normal protein folding and function, missense substitution at the Y position is not a common mechanism of disease (HGMD)

NM_000088.4(COL1A1):c.2693C>A (p.Pro898His)

Gene: COL1A1 (collagen type I alpha 1 chain; minus strand). Cytogenetic location: 17q21.33.
Variant type: single nucleotide variant.
Coding change: c.2693C>A on transcript NM_000088.4 (MANE Select); coding-DNA position 2693, C replaced by A.
Protein change: p.Pro898His; replaces proline 898 with histidine.
Molecular consequence: missense variant.
Genome position (GRCh38, 1-based): chr17:50,189,513, G>T on the plus strand (C>A on the coding strand, the complement: COL1A1 is on the minus strand). VCF-style: chr17-50189513-G-T. GRCh37 (hg19) VCF-style: chr17-48266874-G-T.
Other names: short protein forms P898H.
Identifiers: ClinVar variation 3602869 (VCV003602869.1).
Genomic context (GRCh38, chr17:50,189,513, plus strand): 5'-CGTCCAGCAGGGCCAGTCTCACCACGGGGACCTTTGCCGCCTTCTTTGCCAGCAGGACCA[G>T]GAGGGCCAGGGGGTCCAGCATTTCCCTGGATGAGGATAGGAGGGGCTGTCAGACTCCAGG-3'
Protein context (NP_000079.2, residues 888-908): PSGNAGPPGP[Pro898His]GPAGKEGGKG